The following is an entry in ClinVar:

NM_006885.4(ZFHX3):c.1198C>T (p.Leu400=)

Gene: ZFHX3 (zinc finger homeobox 3; minus strand). Cytogenetic location: 16q22.3.
Variant type: single nucleotide variant.
Coding change: c.1198C>T on transcript NM_006885.4 (MANE Select); coding-DNA position 1198, C replaced by T.
Protein change: p.Leu400=; no amino-acid change (leucine 400 retained).
Molecular consequence: synonymous variant. On other transcripts: intron variant (1).
Genome position (GRCh38, 1-based): chr16:72,958,948, G>A on the plus strand (C>T on the coding strand, the complement: ZFHX3 is on the minus strand). VCF-style: chr16-72958948-G-A. GRCh37 (hg19) VCF-style: chr16-72992847-G-A.
Other names: c.1198C>T, p.Leu400= (NM_001386735.1); c.-23-7983C>T (NM_001164766.2).
Identifiers: ClinVar variation 3035821 (VCV003035821.3), dbSNP rs535536647, ClinGen allele CA8164798.
Genomic context (GRCh38, chr16:72,958,948, plus strand): 5'-GGGGGACTGAGGTAATGGGGGTCTTCAGTACCGAGCTGGTGAGCCCGCCAAGGTTCAACA[G>A]GGTGCTGGGGGTCAAGAGACCAGCCTGGGGCTGCTCGGGGCCAGCGGCGGAGCCCGCTGG-3'
Protein context (NP_008816.3, residues 390-410): PQAGLLTPST[Leu400=]LNLGGLTSSV

ClinVar aggregate classification (germline): Likely benign. Review status: criteria provided, single submitter (1 of 4 stars). 2 submissions from 2 submitters: Likely benign (1). 1 of the submissions does not count toward it. Last evaluated 2024-07-25.

Conditions:
ZFHX3-related disorder. Also called: ZFHX3-related condition.

Allele frequency attached by ClinVar (database versions not stated): TOPMed 0.00002; gnomAD 0.00013; gnomAD exomes 0.00024; ExAC 0.00054; 1000 Genomes Project 0.00060; 1000 Genomes Project 30x 0.00094.

Submissions (2):

Blueprint Genetics
Classification: Likely benign. Last evaluated: 2024-07-25. Review status: criteria provided, single submitter. Criteria: ACMG Guidelines, 2015. Collection method: clinical testing. Allele origin: germline.

PreventionGenetics, part of Exact Sciences
Classification: Likely benign for ZFHX3-related condition. Last evaluated: 2019-11-16. Review status: no assertion criteria provided. Collection method: clinical testing. Allele origin: germline. Not counted in ClinVar's aggregate classification.
Comment: This variant is classified as likely benign based on ACMG/AMP sequence variant interpretation guidelines (Richards et al. 2015 PMID: 25741868, with internal and published modifications).